The following is an entry in ClinVar:

ClinVar aggregate classification (germline): Likely benign (1 of 4 stars; one submission).

Conditions:
TJP2-related disorder. Also called: TJP2-related condition.

gnomAD v4.1: 52 of 1,590,416 alleles (0.0033%); highest among the groups gnomAD compares: Non-Finnish European, 0.0042%; no homozygotes.

Submission:

PreventionGenetics, part of Exact Sciences
Classification: Likely benign for TJP2-related condition. Last evaluated: 2025-06-18. Review status: criteria provided, single submitter. Criteria: ACMG Guidelines, 2015. Collection method: clinical testing. Allele origin: germline.
Comment: This variant is classified as likely benign based on ACMG/AMP sequence variant interpretation guidelines (Richards et al. 2015 PMID: 25741868, with internal and published modifications).

NM_004817.4(TJP2):c.888C>T (p.Ser296=)

Gene: TJP2 (tight junction protein 2; plus strand). Cytogenetic location: 9q21.11.
Variant type: single nucleotide variant.
Coding change: c.888C>T on transcript NM_004817.4 (MANE Select); coding-DNA position 888, C replaced by T.
Protein change: p.Ser296=; no amino-acid change (serine 296 retained).
Molecular consequence: synonymous variant.
Genome position (GRCh38, 1-based): chr9:69,221,432, C>T. VCF-style: chr9-69221432-C-T. GRCh37 (hg19) VCF-style: chr9-71836348-C-T.
Other names: c.819C>T, p.Ser273= (NM_001170414.2, NM_001369870.1, NM_001369871.1); c.900C>T, p.Ser300= (NM_001170415.1, NM_001369874.1, NM_001369875.1); c.981C>T, p.Ser327= (NM_001170416.2); c.888C>T, p.Ser296= (NM_001369872.1, NM_001369873.1, NM_201629.3).
Identifiers: ClinVar variation 4977975 (VCV004977975.1).
Genomic context (GRCh38, chr9:69,221,432, plus strand): 5'-TGCCCGCTCTCGGGGACCCCGAAGCCGCAGCCGCGAGCACCCGCACTCACGGAGCCCCAG[C>T]CCCGAGCCTAGGGGGCGGCCGGGGCCCATCGGGGTCCTCCTGATGAAAAGCAGAGCGAAC-3'
Protein context (NP_004808.2, residues 286-306): SREHPHSRSP[Ser296=]PEPRGRPGPI